The following is an entry in ClinVar:

ClinVar aggregate classification (germline): Uncertain significance (1 of 4 stars; one submission).

Conditions:
Koolen-de Vries syndrome (KDVS). Identifiers: Orphanet 96169, MedGen C1864871, MONDO:0012496, OMIM 610443.

Submission:

Labcorp Genetics (formerly Invitae), Labcorp
Classification: Uncertain significance for Koolen-de Vries syndrome. Last evaluated: 2016-08-29. Review status: criteria provided, single submitter. Criteria: Invitae Variant Classification Sherloc (09022015). Collection method: clinical testing. Allele origin: germline.
Comment: This variant is not present in population databases (ExAC no frequency) and has not been reported in the literature in individuals with a KANSL1-related disease. In summary, this variant is a novel missense change with uncertain impact on protein function. It has been classified as a Variant of Uncertain Significance. Algorithms developed to predict the effect of missense changes on protein structure and function do not agree on the potential impact of this missense change (SIFT: "Tolerated"; PolyPhen-2: "Probably Damaging"; Align-GVGD: "Class C0"). This sequence change replaces isoleucine with threonine at codon 18 of the KANSL1 protein (p.Ile18Thr). The isoleucine residue is highly conserved and there is a moderate physicochemical difference between isoleucine and threonine.

NM_015443.4(KANSL1):c.53T>C (p.Ile18Thr)

Gene: KANSL1 (KAT8 regulatory NSL complex subunit 1). Cytogenetic location: 17q21.31.
Variant type: single nucleotide variant.
Coding change: c.53T>C on transcript NM_015443.4 (MANE Select); coding-DNA position 53, T replaced by C.
Protein change: p.Ile18Thr; replaces isoleucine 18 with threonine.
Molecular consequence: missense variant.
Genome position (GRCh38, 1-based): chr17:46,172,091, A>G on the plus strand (T>C on the coding strand, the complement: KANSL1 is on the minus strand). VCF-style: chr17-46172091-A-G. GRCh37 (hg19) VCF-style: chr17-44249457-A-G.
Other names: c.53T>C, p.Ile18Thr (NM_001193465.2, NM_001193466.2, NM_001379198.1); short protein forms I18T.
Identifiers: ClinVar variation 408957 (VCV000408957.9), dbSNP rs1060502198, ClinGen allele CA16615422.